The following is an entry in ClinVar:

NM_000528.4(MAN2B1):c.2917_2923+1dup

Gene: MAN2B1 (mannosidase alpha class 2B member 1; minus strand). Cytogenetic location: 19p13.13.
Variant type: Duplication.
Coding change: c.2917_2923+1dup on transcript NM_000528.4 (MANE Select); coding-DNA position 2917 through the canonical splice donor site of the intron after coding-DNA position 2923, 8 bases duplicated (AACACAGG; older notation c.2917_2923+1dupAACACAGG).
Molecular consequence: splice donor variant.
Genome position (GRCh38, 1-based): chr19:12,647,232-12,647,239, CCTGTGTT duplicated on the plus strand (AACACAGG on the coding strand, the reverse complement: MAN2B1 is on the minus strand). VCF-style (leftmost placement, unchanged base first): chr19-12647231-A-ACCTGTGTT. GRCh37 (hg19) VCF-style: chr19-12758045-A-ACCTGTGTT.
Other names: c.2914_2920+1dup (NM_001173498.2); c.2917_2923+1dupAACACAGG (NM_000528.3).
Identifiers: ClinVar variation 2676432 (VCV002676432.2), dbSNP rs2512484262, ClinGen allele CA2695198130.

ClinVar aggregate classification (germline): Likely pathogenic. Review status: criteria provided, multiple submitters, no conflicts (2 of 4 stars). 2 submissions from 2 submitters: Likely pathogenic (2). Last evaluated 2024-05-17.

Conditions:
Deficiency of alpha-mannosidase (MANSA). Also called: Mannosidosis, alpha-, types I and II; LYSOSOMAL ALPHA-D-MANNOSIDASE DEFICIENCY; Alpha-Mannosidosis. Identifiers: Orphanet 61, MedGen C0024748, MONDO:0009561, OMIM 248500.

Submissions (2):

Natera, Inc.
Classification: Likely pathogenic for Alpha-mannosidosis. Last evaluated: 2024-05-17. Review status: criteria provided, single submitter. Criteria: Natera Variant Classification Schema (03/2026). Collection method: clinical testing. Allele origin: germline.
Comment: The c.2917_2923+1dupAACACAGG variant in MAN2B1 is a canonical splice donor site variant predicted to affect pre-mRNA splicing, which may result in an abnormal transcript and altered protein product. This variant is expected to result in nonsense mediated decay, truncation, or a dysfunctional protein product. This variant is rare in the general population with a frequency below the threshold expected for the associated phenotype(s). Given the available evidence, this variant is classified as Likely Pathogenic.

Baylor Genetics
Classification: Likely pathogenic for Deficiency of alpha-mannosidase. Last evaluated: 2023-04-25. Review status: criteria provided, single submitter. Criteria: ACMG Guidelines, 2015. Collection method: clinical testing. Allele origin: unknown.